The following is an entry in ClinVar:

ClinVar aggregate classification (germline): Uncertain significance (1 of 4 stars; one submission).

Submission:

Labcorp Genetics (formerly Invitae), Labcorp
Classification: Uncertain significance. Last evaluated: 2024-05-06. Review status: criteria provided, single submitter. Criteria: Invitae Variant Classification Sherloc (09022015). Collection method: clinical testing. Allele origin: germline.
Comment: This sequence change replaces threonine, which is neutral and polar, with isoleucine, which is neutral and non-polar, at codon 706 of the TONSL protein (p.Thr706Ile). This variant is not present in population databases (gnomAD no frequency). This variant has not been reported in the literature in individuals affected with TONSL-related conditions. Algorithms developed to predict the effect of missense changes on protein structure and function output the following: SIFT: "Not Available"; PolyPhen-2: "Benign"; Align-GVGD: "Not Available". The isoleucine amino acid residue is found in multiple mammalian species, which suggests that this missense change does not adversely affect protein function. In summary, the available evidence is currently insufficient to determine the role of this variant in disease. Therefore, it has been classified as a Variant of Uncertain Significance.

NM_013432.5(TONSL):c.2117C>T (p.Thr706Ile)

Genes: TONSL (tonsoku like, DNA repair protein; minus strand), TONSL-AS1 (TONSL antisense RNA 1; plus strand). Cytogenetic location: 8q24.3.
Variant type: single nucleotide variant.
Coding change: c.2117C>T on transcript NM_013432.5 (MANE Select); coding-DNA position 2117, C replaced by T.
Protein change: p.Thr706Ile; replaces threonine 706 with isoleucine.
Molecular consequence: missense variant.
Genome position (GRCh38, 1-based): chr8:144,436,316, G>A on the plus strand (C>T on the coding strand, the complement: TONSL is on the minus strand). VCF-style: chr8-144436316-G-A. GRCh37 (hg19) VCF-style: chr8-145661699-G-A.
Other names: short protein forms T706I.
Identifiers: ClinVar variation 3001755 (VCV003001755.3), dbSNP rs2537489549, ClinGen allele CA372657679.